The following is an entry in ClinVar:

ClinVar aggregate classification (germline): Uncertain significance (1 of 4 stars; one submission).

Conditions:
Immunodeficiency 14 (IMD14A). Also called: p110-DELTA-ACTIVATING MUTATION CAUSING SENESCENT T CELLS, LYMPHADENOPATHY, AND IMMUNODEFICIENCY; ACTIVATED PI3K-DELTA SYNDROME 1; Activated PI3K Delta Syndrome Type 1 (APDS1); IMMUNODEFICIENCY 14A WITH LYMPHOPROLIFERATION, AUTOSOMAL DOMINANT. Identifiers: Orphanet 397596, Orphanet 693661, MedGen C5907821, MONDO:0014222, OMIM 615513.

Submission:

Labcorp Genetics (formerly Invitae), Labcorp
Classification: Uncertain significance for Activated PI3K-delta syndrome. Last evaluated: 2025-11-03. Review status: criteria provided, single submitter. Criteria: Invitae Variant Classification Sherloc (09022015). Collection method: clinical testing. Allele origin: germline.
Comment: This sequence change replaces cysteine, which is neutral and slightly polar, with arginine, which is basic and polar, at codon 219 of the PIK3CD protein (p.Cys219Arg). This variant is not present in population databases (gnomAD no frequency). This variant has not been reported in the literature in individuals affected with PIK3CD-related conditions. Invitae Evidence Modeling of protein sequence and biophysical properties (such as structural, functional, and spatial information, amino acid conservation, physicochemical variation, residue mobility, and thermodynamic stability) indicates that this missense variant is not expected to disrupt PIK3CD protein function with a negative predictive value of 80%. In summary, the available evidence is currently insufficient to determine the role of this variant in disease. Therefore, it has been classified as a Variant of Uncertain Significance.

NM_005026.5(PIK3CD):c.655T>C (p.Cys219Arg)

Gene: PIK3CD (phosphatidylinositol-4,5-bisphosphate 3-kinase catalytic subunit delta; plus strand). Cytogenetic location: 1p36.22.
Variant type: single nucleotide variant.
Coding change: c.655T>C on transcript NM_005026.5 (MANE Select); coding-DNA position 655, T replaced by C.
Protein change: p.Cys219Arg; replaces cysteine 219 with arginine.
Molecular consequence: missense variant.
Genome position (GRCh38, 1-based): chr1:9,716,494, T>C. VCF-style: chr1-9716494-T-C. GRCh37 (hg19) VCF-style: chr1-9776552-T-C.
Other names: c.655T>C, p.Cys219Arg (NM_001350234.2, NM_001350235.1, NM_001437546.1 and 3 more transcripts); short protein forms C219R.
Identifiers: ClinVar variation 4745716 (VCV004745716.1).
Genomic context (GRCh38, chr1:9,716,494, plus strand): 5'-CCACAGGAGAGCTTCACCTTCCAGGTGTCCACCAAGGACGTGCCGCTGGCGCTGATGGCC[T>C]GTGCCCTGCGGAAGAAGGCCACAGTGTTCCGGCAGCCGCTGGTGGAGCAGCCGGAAGACT-3'
Protein context (NP_005017.3, residues 209-229): TKDVPLALMA[Cys219Arg]ALRKKATVFR